The following is an entry in ClinVar:

ClinVar aggregate classification (germline): Uncertain significance (1 of 4 stars; one submission).

Submission:

Labcorp Genetics (formerly Invitae), Labcorp
Classification: Uncertain significance. Last evaluated: 2025-05-08. Review status: criteria provided, single submitter. Criteria: Invitae Variant Classification Sherloc (09022015). Collection method: clinical testing. Allele origin: germline.
Comment: This sequence change creates a premature translational stop signal (p.Ser1233*) in the SAMD9 gene. While this is not anticipated to result in nonsense mediated decay, it is expected to disrupt the last 357 amino acid(s) of the SAMD9 protein. This variant is not present in population databases (gnomAD no frequency). This variant has not been reported in the literature in individuals affected with SAMD9-related conditions. In summary, the available evidence is currently insufficient to determine the role of this variant in disease. Therefore, it has been classified as a Variant of Uncertain Significance.

NM_017654.4(SAMD9):c.3698C>A (p.Ser1233Ter)

Gene: SAMD9 (sterile alpha motif domain containing 9; minus strand). Cytogenetic location: 7q21.2.
Variant type: single nucleotide variant.
Coding change: c.3698C>A on transcript NM_017654.4 (MANE Select); coding-DNA position 3698, C replaced by A.
Protein change: p.Ser1233Ter; replaces serine 1233 with a stop codon.
Molecular consequence: nonsense.
Genome position (GRCh38, 1-based): chr7:93,102,400, G>T on the plus strand (C>A on the coding strand, the complement: SAMD9 is on the minus strand). VCF-style: chr7-93102400-G-T. GRCh37 (hg19) VCF-style: chr7-92731713-G-T.
Other names: c.3698C>A, p.Ser1233Ter (NM_001193307.2); short protein forms S1233*.
Identifiers: ClinVar variation 4768192 (VCV004768192.1).
Genomic context (GRCh38, chr7:93,102,400, plus strand): 5'-TAGTTTTTGAGGGCTAATTTATATTCATTGTTTGGATCCCCTGGAATATCACTACTTCCT[G>T]ATACAAAATTGACCATATATCTTTTAGATAGCTCATTTTTATTATCAAAAAAAGGAATGA-3'